The following is an entry in ClinVar:

NM_002547.3(OPHN1):c.2132C>T (p.Pro711Leu)

Gene: OPHN1 (oligophrenin 1; minus strand). Cytogenetic location: Xq12.
Variant type: single nucleotide variant.
Coding change: c.2132C>T on transcript NM_002547.3 (MANE Select); coding-DNA position 2132, C replaced by T.
Protein change: p.Pro711Leu; replaces proline 711 with leucine.
Molecular consequence: missense variant.
Genome position (GRCh38, 1-based): chrX:68,063,880, G>A on the plus strand (C>T on the coding strand, the complement: OPHN1 is on the minus strand). VCF-style: chrX-68063880-G-A. GRCh37 (hg19) VCF-style: chrX-67283722-G-A.
Other names: short protein forms P711L.
Identifiers: ClinVar variation 1203848 (VCV001203848.9), dbSNP rs1030545345, ClinGen allele CA330807962.

ClinVar aggregate classification (germline): Conflicting classifications of pathogenicity. Review status: criteria provided, conflicting classifications (1 of 4 stars). 3 submissions from 3 submitters: Uncertain significance (1); Likely benign (2). Last evaluated 2025-06-02.

Conditions:
Intellectual developmental disorder, X-linked, syndromic, Billuart type. Also called: X-linked intellectual disability-cerebellar hypoplasia syndrome; MENTAL RETARDATION, X-LINKED 60. Identifiers: Orphanet 137831, MedGen C1845366, MONDO:0010337, OMIM 300486.

Allele frequency attached by ClinVar (database versions not stated): gnomAD exomes below 0.00001 and 0.00002; TOPMed below 0.00001.

Submissions (3):

Labcorp Genetics (formerly Invitae), Labcorp
Classification: Likely benign. Last evaluated: 2025-06-02. Review status: criteria provided, single submitter. Criteria: Invitae Variant Classification Sherloc (09022015). Collection method: clinical testing. Allele origin: germline.

Fulgent Genetics
Classification: Uncertain significance for Intellectual developmental disorder, X-linked, syndromic, Billuart type. Last evaluated: 2024-03-26. Review status: criteria provided, single submitter. Criteria: ACMG Guidelines, 2015. Collection method: clinical testing. Allele origin: germline.

GeneDx
Classification: Likely benign. Last evaluated: 2023-09-14. Review status: criteria provided, single submitter. Criteria: GeneDx Variant Classification Process June 2021. Collection method: clinical testing. Allele origin: germline. Affected: yes.
Comment: See Variant Classification Assertion Criteria.